The following is an entry in ClinVar:

ClinVar aggregate classification (germline): Uncertain significance (1 of 4 stars; one submission).

Conditions:
X-linked myopathy with postural muscle atrophy. Also called: FHL1-Related Emery-Dreifuss Muscular Dystrophy, X-Linked. Identifiers: Orphanet 178461, MedGen C2678055, MONDO:0010401, OMIM 300696.

Allele frequency attached by ClinVar (database versions not stated): TOPMed below 0.00001; gnomAD 0.00001.
gnomAD v4.1: 1 of 1,210,077 alleles (0.000083%); highest among the groups gnomAD compares: Non-Finnish European, 0.00011%; no homozygotes.

Submission:

Labcorp Genetics (formerly Invitae), Labcorp
Classification: Uncertain significance for X-linked myopathy with postural muscle atrophy. Last evaluated: 2022-06-20. Review status: criteria provided, single submitter. Criteria: Invitae Variant Classification Sherloc (09022015). Collection method: clinical testing. Allele origin: germline.
Comment: This variant has not been reported in the literature in individuals affected with FHL1-related conditions. Algorithms developed to predict the effect of missense changes on protein structure and function are either unavailable or do not agree on the potential impact of this missense change (SIFT: "Deleterious"; PolyPhen-2: "Probably Damaging"; Align-GVGD: "Class C0"). In summary, the available evidence is currently insufficient to determine the role of this variant in disease. Therefore, it has been classified as a Variant of Uncertain Significance. This sequence change replaces glutamine, which is neutral and polar, with histidine, which is basic and polar, at codon 177 of the FHL1 protein (p.Gln177His). This variant is not present in population databases (gnomAD no frequency).

NM_001159699.2(FHL1):c.579G>C (p.Gln193His)

Gene: FHL1 (four and a half LIM domains 1; plus strand). Cytogenetic location: Xq26.3.
Variant type: single nucleotide variant.
Coding change: c.579G>C on transcript NM_001159699.2 (MANE Select); coding-DNA position 579, G replaced by C.
Protein change: p.Gln193His; replaces glutamine 193 with histidine.
Molecular consequence: missense variant. On other transcripts: non-coding transcript variant (1), intron variant (2).
Genome position (GRCh38, 1-based): chrX:136,208,484, G>C. VCF-style: chrX-136208484-G-C. GRCh37 (hg19) VCF-style: chrX-135290643-G-C.
Other names: c.531G>C, p.Gln177His (NM_001159702.3, NM_001159704.1, NM_001167819.1 and 8 more transcripts); c.501+523G>C (NM_001159703.2); c.549+523G>C (NM_001330659.2); c.618G>C, p.Gln206His (NM_001159701.2); short protein forms Q177H, Q193H, Q206H.
Identifiers: ClinVar variation 1384274 (VCV001384274.8), dbSNP rs2073910764, ClinGen allele CA414608751.